The following is an entry in ClinVar:

NM_014254.3(RXYLT1):c.997G>C (p.Gly333Arg)

Gene: RXYLT1 (ribitol xylosyltransferase 1; plus strand). Cytogenetic location: 12q14.2.
Variant type: single nucleotide variant.
Coding change: c.997G>C on transcript NM_014254.3 (MANE Select); coding-DNA position 997, G replaced by C.
Protein change: p.Gly333Arg; replaces glycine 333 with arginine.
Molecular consequence: missense variant.
Genome position (GRCh38, 1-based): chr12:63,808,757, G>C. VCF-style: chr12-63808757-G-C. GRCh37 (hg19) VCF-style: chr12-64202537-G-C.
Other names: c.217G>C, p.Gly73Arg (NM_001278237.2); short protein forms G333R, G73R.
Identifiers: ClinVar variation 1502235 (VCV001502235.8), dbSNP rs777596548, ClinGen allele CA385659960.

ClinVar aggregate classification (germline): Pathogenic (1 of 4 stars; one submission).

gnomAD v4.1: 15 of 1,612,418 alleles (0.00093%); highest among the groups gnomAD compares: Non-Finnish European, 0.0012%; no homozygotes.

Submission:

Labcorp Genetics (formerly Invitae), Labcorp
Classification: Pathogenic. Last evaluated: 2025-12-03. Review status: criteria provided, single submitter. Criteria: Invitae Variant Classification Sherloc (09022015). Collection method: clinical testing. Allele origin: germline.
Comment: This sequence change replaces glycine, which is neutral and non-polar, with arginine, which is basic and polar, at codon 333 of the RXYLT1 protein (p.Gly333Arg). This variant is not present in population databases (gnomAD no frequency). This missense change has been observed in individuals with Walker-Warburg syndrome (PMID: 25279699, 33199158; internal data). It has also been observed to segregate with disease in related individuals. ClinVar contains an entry for this variant (Variation ID: 1502235). Invitae Evidence Modeling of protein sequence and biophysical properties (such as structural, functional, and spatial information, amino acid conservation, physicochemical variation, residue mobility, and thermodynamic stability) indicates that this missense variant is expected to disrupt RXYLT1 protein function with a positive predictive value of 80%. Experimental studies have shown that this missense change affects RXYLT1 function (PMID: 27130732). For these reasons, this variant has been classified as Pathogenic.

Literature cited by the submitters: PubMed 25279699; PubMed 33199158; PubMed 27130732.